The following is an entry in ClinVar:

ClinVar aggregate classification (germline): Uncertain significance (1 of 4 stars; one submission).

gnomAD v4.1: 1 of 1,614,024 alleles (0.000062%); highest among the groups gnomAD compares: African/African-American, 0.0013%; no homozygotes.

Submission:

Labcorp Genetics (formerly Invitae), Labcorp
Classification: Uncertain significance. Last evaluated: 2025-05-05. Review status: criteria provided, single submitter. Criteria: Invitae Variant Classification Sherloc (09022015). Collection method: clinical testing. Allele origin: germline.
Comment: This sequence change replaces serine, which is neutral and polar, with arginine, which is basic and polar, at codon 237 of the KANK1 protein (p.Ser237Arg). This variant is not present in population databases (gnomAD no frequency). This variant has not been reported in the literature in individuals affected with KANK1-related conditions. Invitae Evidence Modeling of protein sequence and biophysical properties (such as structural, functional, and spatial information, amino acid conservation, physicochemical variation, residue mobility, and thermodynamic stability) indicates that this missense variant is expected to disrupt KANK1 protein function with a positive predictive value of 80%. In summary, the available evidence is currently insufficient to determine the role of this variant in disease. Therefore, it has been classified as a Variant of Uncertain Significance.

NM_015158.5(KANK1):c.711C>G (p.Ser237Arg)

Gene: KANK1 (KN motif and ankyrin repeat domains 1; plus strand). Cytogenetic location: 9p24.3.
Variant type: single nucleotide variant.
Coding change: c.711C>G on transcript NM_015158.5 (MANE Select); coding-DNA position 711, C replaced by G.
Protein change: p.Ser237Arg; replaces serine 237 with arginine.
Molecular consequence: missense variant. On other transcripts: non-coding transcript variant (1).
Genome position (GRCh38, 1-based): chr9:711,477, C>G. VCF-style: chr9-711477-C-G. GRCh37 (hg19) VCF-style: chr9-711477-C-G.
Other names: c.711C>G, p.Ser237Arg (NM_001256876.3, NM_001256877.3, NM_001354331.2 and 3 more transcripts); c.237C>G, p.Ser79Arg (NM_001354333.2, NM_001354335.2, NM_001354336.2 and 10 more transcripts); short protein forms S237R, S79R.
Identifiers: ClinVar variation 4776500 (VCV004776500.1).
Genomic context (GRCh38, chr9:711,477, plus strand): 5'-AGGTAATGGGGATTATGGTAGCTATGCCCCAGCTGCTCCCACCACTTCCTCCATGGGGAG[C>G]TCCATCCGCCACAGCCCCCTGAGCTCAGGGATCTCCACCCCAGTGACCAACGTGAGCCCC-3'
Protein context (NP_055973.2, residues 227-247): PAAPTTSSMG[Ser237Arg]SIRHSPLSSG